The following is an entry in ClinVar:

NM_000018.4(ACADVL):c.1077_1077+1delinsCAC

Gene: ACADVL (acyl-CoA dehydrogenase very long chain; plus strand). Cytogenetic location: 17p13.1.
Variant type: Indel.
Coding change: c.1077_1077+1delinsCAC on transcript NM_000018.4 (MANE Select); coding-DNA position 1077 through the canonical splice donor site of the intron after coding-DNA position 1077, GG replaced by CAC.
Molecular consequence: splice donor variant.
Genome position (GRCh38, 1-based): chr17:7,222,865-7,222,866, GG replaced by CAC. VCF-style: chr17-7222865-GG-CAC. GRCh37 (hg19) VCF-style: chr17-7126184-GG-CAC.
Other names: c.1146_1146+1delinsCAC (NM_001270447.2); c.849_849+1delinsCAC (NM_001270448.2); c.1011_1011+1delinsCAC (NM_001033859.3).
Identifiers: ClinVar variation 370686 (VCV000370686.19), dbSNP rs1057516686, ClinGen allele CA16041866.
Genomic context (GRCh38, chr17:7,222,865, plus strand): 5'-TGGAAGGTTTGGCATGGCTGCGGCCCTGGCAGGTACCATGAGAGGCATCATTGCTAAGGC[GG>CAC]TGAGTACCCTGCCCGAGTCCCTAGGTAACCCAAACAGAAGTCTCACTGTCCCCCTTGCCA-3'

ClinVar aggregate classification (germline): Pathogenic. Review status: reviewed by expert panel (3 of 4 stars). 9 submissions from 9 submitters: Pathogenic (1). 8 of the submissions do not count toward it. Last evaluated 2022-09-20.

Conditions:
ACADVL-related disorder. Also called: ACADVL-related condition.
Very long chain acyl-CoA dehydrogenase deficiency (ACADVLD). Also called: VLCAD Deficiency; Very Long-Chain Acyl-Coenzyme A Dehydrogenase Deficiency. Identifiers: Orphanet 26793, MedGen C3887523, MONDO:0008723, OMIM 201475.

Submissions (9):

ClinGen ACADVL Variant Curation Expert Panel, ClinGen
Classification: Pathogenic for Very long chain acyl-CoA dehydrogenase deficiency. Last evaluated: 2022-09-20. Review status: reviewed by expert panel. Criteria: clingen acadvl acmg specifications v1. Collection method: curation. Allele origin: germline. Inheritance: Autosomal recessive inheritance.
Comment: The c.1077_1077+1delinsCAC; p.Val360Thrfs*2 variant in ACADVL occurs within the canonical splice donor site of intron 10. It is predicted to cause skipping of biologically-relevant-exon 10, resulting in a frameshift leading to nonsense mediated decay in a gene in which loss-of-function is an established disease mechanism (PVS1, PMIDs: 9973285, 11590124). This variant is absent from gnomAD population database v2.1.1 (PM2_Supporting). This variant has been reported once as a heterozygote associated with very-long chain acyl-CoA dehydrogenase deficiency (PP4, PMID: 9973285). The ACADVL Variant Curation Expert Panel VCEP classified the variant as pathogenic based on (PVS1,PM2_supporting,PP4).

Labcorp Genetics (formerly Invitae), Labcorp
Classification: Likely pathogenic for Very long chain acyl-CoA dehydrogenase deficiency. Last evaluated: 2025-05-05. Review status: criteria provided, single submitter. Criteria: Invitae Variant Classification Sherloc (09022015). Collection method: clinical testing. Allele origin: germline. Not counted in ClinVar's aggregate classification.
Comment: This variant results in the deletion of part of exon 10 (c.1077_1077+1delinsCAC) of the ACADVL gene. It is expected to disrupt RNA splicing. Variants that disrupt the donor or acceptor splice site typically lead to a loss of protein function (PMID: 16199547), and loss-of-function variants in ACADVL are known to be pathogenic (PMID: 9973285, 11590124). Information on the frequency of this variant in the gnomAD database is not available, as this variant may be reported differently in the database. This variant has been observed in individual(s) with very long chain acyl-CoA dehydrogenase deficiency (PMID: 9973285). In summary, the currently available evidence indicates that the variant is pathogenic, but additional data are needed to prove that conclusively. Therefore, this variant has been classified as Likely Pathogenic.

Natera, Inc.
Classification: Pathogenic for Very long chain acyl-CoA dehydrogenase deficiency. Last evaluated: 2024-10-08. Review status: criteria provided, single submitter. Criteria: Natera Variant Classification Schema (03/2026). Collection method: clinical testing. Allele origin: germline. Not counted in ClinVar's aggregate classification.
Comment: The c.1077_1077+1delGGinsCAC variant in ACADVL is a canonical splice donor site variant predicted to affect pre-mRNA splicing, which may result in an abnormal transcript and altered protein product. This variant is expected to result in nonsense mediated decay, truncation, or a dysfunctional protein product. This variant is rare in the general population with a frequency below the threshold expected for the associated phenotype(s). Another variant at this same site results in an alteration predicted to cause a similar molecular effect has been observed in individual(s) with the associated phenotype. Given the available evidence, this variant is classified as Pathogenic.

PreventionGenetics, part of Exact Sciences
Classification: Likely pathogenic for ACADVL-related condition. Last evaluated: 2023-09-20. Review status: criteria provided, single submitter. Criteria: ACMG Guidelines, 2015. Collection method: clinical testing. Allele origin: germline. Not counted in ClinVar's aggregate classification.
Comment: The ACADVL c.1077_1077+1delinsCAC variant is predicted to result in an in-frame deletion and insertion. This change is predicted to abolish the canonical splice donor site. This variant was reported in an individual with very long chain acyl-CoA dehydrogenase (VLCAD) deficiency (Andresen et al. 1999. PubMed ID: 9973285; Intron 10 GG>CAC). This variant has not been reported in a large population database, indicating this variant is rare. Canonical-splice altering variants in ACADVL are expected to be pathogenic, including several others reported at this same splice junction. This variant is interpreted as likely pathogenic.

Baylor Genetics
Classification: Likely pathogenic for Very long chain acyl-CoA dehydrogenase deficiency. Last evaluated: 2023-09-13. Review status: criteria provided, single submitter. Criteria: ACMG Guidelines, 2015. Collection method: clinical testing. Allele origin: unknown. Not counted in ClinVar's aggregate classification.

Wong Mito Lab, Molecular and Human Genetics, Baylor College of Medicine
Classification: Pathogenic for Very long chain acyl-CoA dehydrogenase deficiency. Last evaluated: 2019-11-01. Review status: criteria provided, single submitter. Criteria: ACMG Guidelines, 2015. Collection method: clinical testing. Allele origin: germline. Not counted in ClinVar's aggregate classification.
Comment: The NM_000018.3:c.1077_1077+1delinsCAC (NP_000009.1:p.?) [GRCH38: NC_000017.11:g.7222865_7222866delinsCAC] variant in ACADVL gene is interpretated to be Pathogenic based on ACMG guidelines (PMID: 25741868). This variant has been reported in PMID:9973285. This variant meets the following evidence codes reported in the ACMG guidelines: PVS1, PS3

Women's Health and Genetics/Laboratory Corporation of America, LabCorp
Classification: Likely pathogenic for Very long chain acyl-CoA dehydrogenase deficiency. Last evaluated: 2018-10-22. Review status: criteria provided, single submitter. Criteria: LabCorp Variant Classification Summary - May 2015. Collection method: clinical testing. Allele origin: germline. Not counted in ClinVar's aggregate classification.
Comment: Variant summary: ACADVL c.1077_1077+1delinsCAC is located in a canonical splice-site and is predicted to affect mRNA splicing resulting in a significantly altered protein due to either exon skipping, shortening, or inclusion of intronic material. Several computational tools predict a significant impact on normal splicing: Five predict the variant abolishes a 5 splicing donor site. However, these predictions have yet to be confirmed by functional studies. The variant was absent in 244794 control chromosomes (gnomAD). The variant, c.1077_1077+1delinsCAC, has been reported in the literature in one individual affected with Very Long Chain Acyl-CoA Dehydrogenase Deficiency in whom no second allele was reported so the exact genotype could not be inferred (Andresen_1999). These data do not allow any conclusion about variant significance. To our knowledge, no experimental evidence demonstrating an impact on protein function has been reported. Three clinical diagnostic laboratories have submitted clinical-significance assessments for this variant to ClinVar after 2014 without evidence for independent evaluation. All laboratories classified the variant as pathogenic/likely pathogenic. Based on the evidence outlined above, the variant was classified as likely pathogenic.

Eurofins Ntd Llc (ga)
Classification: Pathogenic. Last evaluated: 2015-10-15. Review status: criteria provided, single submitter. Criteria: EGL Classification Definitions 2015. Collection method: clinical testing. Allele origin: germline. Observed: 1 variant allele, 1 heterozygote. Not counted in ClinVar's aggregate classification.

Counsyl
Classification: Likely pathogenic for Very long chain acyl-CoA dehydrogenase deficiency. Last evaluated: 2016-03-23. Review status: no assertion criteria provided. Collection method: clinical testing. Allele origin: unknown. Not counted in ClinVar's aggregate classification.

Literature cited by the submitters: PubMed 16199547 (cited by Labcorp Genetics (formerly Invitae), Labcorp); PubMed 9973285 (cited by 5 submitters); PubMed 11590124 (cited by Labcorp Genetics (formerly Invitae), Labcorp).